The following is an entry in ClinVar:

ClinVar aggregate classification (germline): Benign (1 of 4 stars; one submission).

Conditions:
Quebec platelet disorder (QPD). Also called: FACTOR V QUEBEC; BLEEDING DISORDER, PLATELET-TYPE, 5. Identifiers: Orphanet 220436, MedGen C1866423, MONDO:0011136, OMIM 601709.

Allele frequency attached by ClinVar (database versions not stated): gnomAD 0.00023 and 0.00008; gnomAD exomes 0.00049; 1000 Genomes Project 30x 0.00031; 1000 Genomes Project 0.00040; TOPMed 0.00011.

Submission:

Illumina Laboratory Services, Illumina
Classification: Benign for Quebec platelet disorder. Last evaluated: 2018-01-12. Review status: criteria provided, single submitter. Criteria: ICSL Variant Classification Criteria 13 December 2019. Collection method: clinical testing. Allele origin: germline.
Comment: This variant was observed in the ICSL laboratory as part of a predisposition screen in an ostensibly healthy population. It had not been previously curated by ICSL or reported in the Human Gene Mutation Database (HGMD: prior to June 1st, 2018), and was therefore a candidate for classification through an automated scoring system. Utilizing variant allele frequency, disease prevalence and penetrance estimates, and inheritance mode, an automated score was calculated to assess if this variant is too frequent to cause the disease. Based on the score and internal cut-off values, a variant classified as benign is not then subjected to further curation. The score for this variant resulted in a classification of benign for this disease.

NM_002658.6(PLAU):c.*266T>C

Genes: C10orf55 (chromosome 10 putative open reading frame 55; minus strand), PLAU (plasminogen activator, urokinase; plus strand). Cytogenetic location: 10q22.2.
Variant type: single nucleotide variant.
Coding change: c.*266T>C on transcript NM_002658.6 (MANE Select); 266 bases downstream of the stop codon, T replaced by C.
Molecular consequence: 3 prime UTR variant.
Genome position (GRCh38, 1-based): chr10:73,916,831, T>C. VCF-style: chr10-73916831-T-C. GRCh37 (hg19) VCF-style: chr10-75676589-T-C.
Other names: c.*266T>C (NM_001145031.3, NM_001319191.2).
Identifiers: ClinVar variation 300767 (VCV000300767.5), dbSNP rs565576288, ClinGen allele CA10636291.